The following is an entry in ClinVar:

NM_000059.4(BRCA2):c.3658T>G (p.Tyr1220Asp)

Gene: BRCA2 (BRCA2 DNA repair associated; plus strand). Cytogenetic location: 13q13.1.
Variant type: single nucleotide variant.
Coding change: c.3658T>G on transcript NM_000059.4 (MANE Select); coding-DNA position 3658, T replaced by G.
Protein change: p.Tyr1220Asp; replaces tyrosine 1220 with aspartic acid.
Molecular consequence: missense variant. On other transcripts: non-coding transcript variant (1), intron variant (2).
Genome position (GRCh38, 1-based): chr13:32,338,013, T>G. VCF-style: chr13-32338013-T-G. GRCh37 (hg19) VCF-style: chr13-32912150-T-G.
Other names: c.3658T>G, p.Tyr1220Asp (NM_001406719.1, NM_001406720.1, NM_001432077.1); c.1909+4626T>G (NM_001406721.1); c.425-6545T>G (NM_001406722.1); short protein forms Y1220D.
Identifiers: ClinVar variation 3636463 (VCV003636463.2).

ClinVar aggregate classification (germline): Uncertain significance (1 of 4 stars; one submission).

Conditions:
Hereditary breast ovarian cancer syndrome. Also called: Hereditary breast and ovarian cancer syndrome; Hereditary breast and ovarian cancer syndrome (HBOC); BRCA1- and BRCA2-Associated Hereditary Breast and Ovarian Cancer; Hereditary breast and ovarian cancer; Breast and ovarian cancer; Hereditary breast and/or ovarian cancer syndrome. Identifiers: Orphanet 145, MedGen C0677776, MeSH D061325, MONDO:0003582. Disease mechanism: loss of function.

Submission:

Labcorp Genetics (formerly Invitae), Labcorp
Classification: Uncertain significance for Hereditary breast ovarian cancer syndrome. Last evaluated: 2024-10-12. Review status: criteria provided, single submitter. Criteria: Invitae Variant Classification Sherloc (09022015). Collection method: clinical testing. Allele origin: germline.
Comment: This sequence change replaces tyrosine, which is neutral and polar, with aspartic acid, which is acidic and polar, at codon 1220 of the BRCA2 protein (p.Tyr1220Asp). This variant is not present in population databases (gnomAD no frequency). This variant has not been reported in the literature in individuals affected with BRCA2-related conditions. Invitae Evidence Modeling of protein sequence and biophysical properties (such as structural, functional, and spatial information, amino acid conservation, physicochemical variation, residue mobility, and thermodynamic stability) indicates that this missense variant is not expected to disrupt BRCA2 protein function with a negative predictive value of 95%. In summary, the available evidence is currently insufficient to determine the role of this variant in disease. Therefore, it has been classified as a Variant of Uncertain Significance.